The following is an entry in ClinVar:

NM_003072.5(SMARCA4):c.2480C>G (p.Pro827Arg)

Gene: SMARCA4 (SWI/SNF related BAF chromatin remodeling complex subunit ATPase 4; plus strand). Cytogenetic location: 19p13.2.
Variant type: single nucleotide variant.
Coding change: c.2480C>G on transcript NM_003072.5 (MANE Select); coding-DNA position 2480, C replaced by G.
Protein change: p.Pro827Arg; replaces proline 827 with arginine.
Molecular consequence: missense variant. On other transcripts: non-coding transcript variant (1).
Genome position (GRCh38, 1-based): chr19:11,018,998, C>G. VCF-style: chr19-11018998-C-G. GRCh37 (hg19) VCF-style: chr19-11129674-C-G.
Other names: c.2480C>G, p.Pro827Arg (NM_001128844.3, NM_001128845.2, NM_001128846.2 and 6 more transcripts); short protein forms P827R.
Identifiers: ClinVar variation 3636868 (VCV003636868.2).
Genomic context (GRCh38, chr19:11,018,998, plus strand): 5'-CATTTCCTTGTTCCATCAGAACGCTGTCCAACTGGGCGTACGAGTTTGACAAGTGGGCCC[C>G]CTCCGTGGTGAAGGTGTCTTACAAGGTAGGTCACAGCCACTGAGGTTTCCTCTCTTGCTA-3'
Protein context (NP_003063.2, residues 817-837): NWAYEFDKWA[Pro827Arg]SVVKVSYKGS

ClinVar aggregate classification (germline): Uncertain significance (1 of 4 stars; one submission).

Conditions:
Rhabdoid tumor predisposition syndrome 2 (RTPS2). Identifiers: Orphanet 231108, Orphanet 69077, MedGen C2750074, MONDO:0013224, OMIM 613325.

Submission:

Labcorp Genetics (formerly Invitae), Labcorp
Classification: Uncertain significance for Rhabdoid tumor predisposition syndrome 2. Last evaluated: 2024-02-04. Review status: criteria provided, single submitter. Criteria: Invitae Variant Classification Sherloc (09022015). Collection method: clinical testing. Allele origin: germline.
Comment: This sequence change replaces proline, which is neutral and non-polar, with arginine, which is basic and polar, at codon 827 of the SMARCA4 protein (p.Pro827Arg). This variant is not present in population databases (gnomAD no frequency). This variant has not been reported in the literature in individuals affected with SMARCA4-related conditions. Advanced modeling of protein sequence and biophysical properties (such as structural, functional, and spatial information, amino acid conservation, physicochemical variation, residue mobility, and thermodynamic stability) performed at Invitae indicates that this missense variant is expected to disrupt SMARCA4 protein function with a positive predictive value of 95%. In summary, the available evidence is currently insufficient to determine the role of this variant in disease. Therefore, it has been classified as a Variant of Uncertain Significance.